The following is an entry in ClinVar:

ClinVar aggregate classification (germline): Benign (1 of 4 stars; one submission).

Allele frequency attached by ClinVar (database versions not stated): 1000 Genomes Project 30x 0.05512; TOPMed 0.05553; 1000 Genomes Project 0.05391; gnomAD 0.04758 and 0.05048.

Submission:

GeneDx
Classification: Benign. Last evaluated: 2018-06-14. Review status: criteria provided, single submitter. Criteria: GeneDx Variant Classification (06012015). Collection method: clinical testing. Allele origin: germline. Affected: yes.
Comment: This variant is considered likely benign or benign based on one or more of the following criteria: it is a conservative change, it occurs at a poorly conserved position in the protein, it is predicted to be benign by multiple in silico algorithms, and/or has population frequency not consistent with disease.

NM_012463.3(ATP6V0A2):c.-399A>T

Gene: ATP6V0A2 (ATPase H+ transporting V0 subunit a2; plus strand). Cytogenetic location: 12q24.31.
Variant type: single nucleotide variant.
Coding change: c.-399A>T on transcript NM_012463.3; 399 bases upstream of the start codon, A replaced by T.
Genome position (GRCh38, 1-based): chr12:123,712,167, A>T. VCF-style: chr12-123712167-A-T. GRCh37 (hg19) VCF-style: chr12-124196714-A-T.
Identifiers: ClinVar variation 676294 (VCV000676294.3), dbSNP rs116592138, ClinGen allele CA245174829.